The following is an entry in ClinVar:

NM_001429.4(EP300):c.5932G>A (p.Gly1978Arg)

Gene: EP300 (EP300 lysine acetyltransferase; plus strand). Cytogenetic location: 22q13.2.
Variant type: single nucleotide variant.
Coding change: c.5932G>A on transcript NM_001429.4 (MANE Select); coding-DNA position 5932, G replaced by A.
Protein change: p.Gly1978Arg; replaces glycine 1978 with arginine.
Molecular consequence: missense variant.
Genome position (GRCh38, 1-based): chr22:41,177,643, G>A. VCF-style: chr22-41177643-G-A. GRCh37 (hg19) VCF-style: chr22-41573647-G-A.
Other names: c.5854G>A, p.Gly1952Arg (NM_001362843.2); short protein forms G1952R, G1978R.
Identifiers: ClinVar variation 4988619 (VCV004988619.1).

ClinVar aggregate classification (germline): Uncertain significance (1 of 4 stars; one submission).

Conditions:
EP300-related disorder. Also called: EP300-related condition; EP300-related disorders.

gnomAD v4.1: 12 of 1,613,926 alleles (0.00074%); highest among the groups gnomAD compares: Non-Finnish European, 0.001%; no homozygotes.

Submission:

PreventionGenetics, part of Exact Sciences
Classification: Uncertain significance for EP300-related condition. Last evaluated: 2025-10-13. Review status: criteria provided, single submitter. Criteria: ACMG Guidelines, 2015. Collection method: clinical testing. Allele origin: germline.
Comment: The EP300 c.5932G>A variant is predicted to result in the amino acid substitution p.Gly1978Arg. To our knowledge, this variant has not been reported in the literature or in a large population database (gnomAD), indicating this variant is rare. At this time, the clinical significance of this variant is uncertain due to the absence of conclusive functional and genetic evidence.